The following is an entry in ClinVar:

ClinVar aggregate classification (germline): Uncertain significance (1 of 4 stars; one submission).

Conditions:
Multiple endocrine neoplasia, type 1 (MEN1). Also called: MEA I; MEN I; WERMER SYNDROME; Endocrine adenomatosis multiple; MEN 1. Identifiers: Orphanet 652, MedGen C0025267, MeSH D018761, MONDO:0007540, OMIM 131100.

Submission:

Labcorp Genetics (formerly Invitae), Labcorp
Classification: Uncertain significance for Multiple endocrine neoplasia, type 1. Last evaluated: 2024-01-19. Review status: criteria provided, single submitter. Criteria: Invitae Variant Classification Sherloc (09022015). Collection method: clinical testing. Allele origin: germline.
Comment: This sequence change replaces serine, which is neutral and polar, with asparagine, which is neutral and polar, at codon 145 of the MEN1 protein (p.Ser145Asn). This variant is not present in population databases (gnomAD no frequency). This variant has not been reported in the literature in individuals affected with MEN1-related conditions. Advanced modeling of protein sequence and biophysical properties (such as structural, functional, and spatial information, amino acid conservation, physicochemical variation, residue mobility, and thermodynamic stability) performed at Invitae indicates that this missense variant is expected to disrupt MEN1 protein function with a positive predictive value of 95%. In summary, the available evidence is currently insufficient to determine the role of this variant in disease. Therefore, it has been classified as a Variant of Uncertain Significance.

NM_001370259.2(MEN1):c.434G>A (p.Ser145Asn)

Gene: MEN1 (menin 1; minus strand). Cytogenetic location: 11q13.1.
Variant type: single nucleotide variant.
Coding change: c.434G>A on transcript NM_001370259.2 (MANE Select); coding-DNA position 434, G replaced by A.
Protein change: p.Ser145Asn; replaces serine 145 with asparagine.
Molecular consequence: missense variant. On other transcripts: non-coding transcript variant (4).
Genome position (GRCh38, 1-based): chr11:64,809,676, C>T on the plus strand (G>A on the coding strand, the complement: MEN1 is on the minus strand). VCF-style: chr11-64809676-C-T. GRCh37 (hg19) VCF-style: chr11-64577148-C-T.
Other names: c.434G>A, p.Ser145Asn (NM_001407146.1, NM_001407147.1, NM_001407148.1 and 20 more transcripts); short protein forms S145N.
Identifiers: ClinVar variation 2710275 (VCV002710275.3), dbSNP rs2136177735, ClinGen allele CA381186701.
Genomic context (GRCh38, chr11:64,809,676, plus strand): 5'-TTTTGAAGAAGTGGGTCATGGATAAGATTCCCACCTACTGGGCTCCAACCTGTGATGAAG[C>T]TGAAGAGGGACTGGATGTGGGCCCGATCCTTGAAGTAGGAGCGGCTGAGGCTGTTCCATA-3'
Protein context (NP_001357188.2, residues 135-155): KDRAHIQSLF[Ser145Asn]FITGTKLDSS